The following is an entry in ClinVar:

ClinVar aggregate classification (germline): Pathogenic (1 of 4 stars; one submission).

Conditions:
Congenital factor V deficiency. Also called: Hereditary factor V deficiency disease; LABILE FACTOR DEFICIENCY; OWREN PARAHEMOPHILIA; PARAHEMOPHILIA. Identifiers: Orphanet 326, MedGen C0015499, MONDO:0009210, OMIM 227400.

Submission:

Labcorp Genetics (formerly Invitae), Labcorp
Classification: Pathogenic for Congenital factor V deficiency. Last evaluated: 2024-06-12. Review status: criteria provided, single submitter. Criteria: Invitae Variant Classification Sherloc (09022015). Collection method: clinical testing. Allele origin: germline.
Comment: This sequence change creates a premature translational stop signal (p.Phe452Leufs*2) in the F5 gene. It is expected to result in an absent or disrupted protein product. Loss-of-function variants in F5 are known to be pathogenic (PMID: 30924984). This variant is not present in population databases (gnomAD no frequency). This variant has not been reported in the literature in individuals affected with F5-related conditions. Algorithms developed to predict the effect of sequence changes on RNA splicing suggest that this variant may disrupt the consensus splice site. For these reasons, this variant has been classified as Pathogenic.

Literature cited by the submitters: PubMed 30924984.

NM_000130.5(F5):c.1356_1363del (p.Phe452fs)

Gene: F5 (coagulation factor V; minus strand). Cytogenetic location: 1q24.2.
Variant type: Deletion.
Coding change: c.1356_1363del on transcript NM_000130.5 (MANE Select); coding-DNA positions 1356 to 1363, 8 bases deleted (CTCGCCTT; older notation c.1356_1363delCTCGCCTT).
Protein change: p.Phe452fs; shifts the reading frame from phenylalanine 452.
Molecular consequence: frameshift variant.
Genome position (GRCh38, 1-based): chr1:169,550,673-169,550,680, AAGGCGAG deleted on the plus strand (CTCGCCTT on the coding strand, the reverse complement: F5 is on the minus strand); deleting any 8 consecutive bases within chr1:169,550,673-169,550,684 gives the same sequence; the c. name uses the placement nearest the transcript's 3' end. VCF-style (leftmost placement, unchanged base first): chr1-169550672-TAAGGCGAG-T. GRCh37 (hg19) VCF-style: chr1-169519910-TAAGGCGAG-T.
Other names: short protein forms F452fs.
Identifiers: ClinVar variation 3656418 (VCV003656418.2).